The following is an entry in ClinVar:

NM_007294.4(BRCA1):c.5153-23T>A

Gene: BRCA1 (BRCA1 DNA repair associated; minus strand). Cytogenetic location: 17q21.31.
Variant type: single nucleotide variant.
Coding change: c.5153-23T>A on transcript NM_007294.4 (MANE Select); 23 bases into the intron before coding-DNA position 5153, T replaced by A.
Molecular consequence: intron variant.
Genome position (GRCh38, 1-based): chr17:43,063,396, A>T on the plus strand (T>A on the coding strand, the complement: BRCA1 is on the minus strand). VCF-style: chr17-43063396-A-T. GRCh37 (hg19) VCF-style: chr17-41215413-A-T.
Other names: c.1700-23T>A (NM_001408466.1, NM_001408460.1, NM_001408465.1 and 7 more transcripts); c.1703-23T>A (NM_001408452.1, NM_001408457.1, NM_001408454.1 and 3 more transcripts); c.5006-23T>A (NM_001407850.1, NM_001407844.1, NM_001407851.1 and 12 more transcripts); c.5009-23T>A (NM_001407752.1, NM_001407944.1, NM_001407734.1 and 21 more transcripts); c.5012-23T>A (NM_001407730.1, NM_001407692.1, NM_001407729.1 and 13 more transcripts); c.4883-23T>A (NM_001407934.1, NM_001407935.1, NM_001407936.1); c.1580-23T>A (NM_001408497.1, NM_001408496.1, NM_001408499.1 and 3 more transcripts); c.1844-23T>A (NM_001407973.1, NM_001407975.1, NM_001407978.1 and 3 more transcripts); and 72 more.
Identifiers: ClinVar variation 868735 (VCV000868735.3), dbSNP rs2051877902, ClinGen allele CA916080095.

Conditions:
Breast-ovarian cancer, familial, susceptibility to, 1 (BROVCA1). Also called: BRCA1 Hereditary Breast and Ovarian Cancer; OVARIAN CANCER, SUSCEPTIBILITY TO. Identifiers: Orphanet 145, MedGen C2676676, MONDO:0011450, OMIM 604370. Disease mechanism: loss of function.

Submission:

Brotman Baty Institute, University of Washington
No classification provided (evidence only). Condition: Breast-ovarian cancer, familial 1. Review status: no classification provided. Collection method: in vitro. Allele origin: not applicable. Functional consequence: functionally_normal.
ClinVar note: "not provided" was previously submitted as the classification for the variant. However, the classification appeared to be based only on an observation of functional data so it was converted to no classification on 2025-07-30.